The following is an entry in ClinVar:

NM_014112.5(TRPS1):c.2421G>A (p.Trp807Ter)

Gene: TRPS1 (transcriptional repressor GATA binding 1; minus strand). Cytogenetic location: 8q23.3.
Variant type: single nucleotide variant.
Coding change: c.2421G>A on transcript NM_014112.5 (MANE Select); coding-DNA position 2421, G replaced by A.
Protein change: p.Trp807Ter; replaces tryptophan 807 with a stop codon.
Molecular consequence: nonsense.
Genome position (GRCh38, 1-based): chr8:115,587,280, C>T on the plus strand (G>A on the coding strand, the complement: TRPS1 is on the minus strand). VCF-style: chr8-115587280-C-T. GRCh37 (hg19) VCF-style: chr8-116599507-C-T.
Other names: c.2394G>A, p.Trp798Ter (NM_001282902.3); c.2400G>A, p.Trp800Ter (NM_001282903.3); c.2382G>A, p.Trp794Ter (NM_001330599.2); short protein forms W807*, W794*, W800*, W798*.
Identifiers: ClinVar variation 419458 (VCV000419458.2), dbSNP rs1064793885, ClinGen allele CA16618584.
Genomic context (GRCh38, chr8:115,587,280, plus strand): 5'-CAGCAGCCCCAGGCTTGCTTGGGTGTATGACGGACTCCCCCGCAGGATGTCTGCCCCTCT[C>T]CAAGTCACATTGCGAAGGTCATCACTGGAACTCTCGGTCCAAACTTTCTCTTTGAGCCCG-3'

ClinVar aggregate classification (germline): Pathogenic (1 of 4 stars; one submission).

Submission:

GeneDx
Classification: Pathogenic. Last evaluated: 2015-08-13. Review status: criteria provided, single submitter. Criteria: GeneDx Variant Classification (06012015). Collection method: clinical testing. Allele origin: germline. Affected: yes.
Comment: The W807X variant in the TRPS1 gene has not been reported previously as a pathogenic variant noras a benign polymorphism, to our knowledge. This variant is predicted to cause loss of normal proteinfunction either through protein truncation or nonsense-mediated mRNA decay. Protein truncating variantsdownstream of W807X have been reported in the Human Gene Mutation Database in association withtrichorhinophalangeal syndrome (Stenson et al., 2014), supporting the pathogenicity of more upstreamtruncating variants. W807X was not observed in approximately 6100 individuals of Europeanand African American ancestry in the NHLBI Exome Sequencing Project, indicating it is not a common benignvariant in these populations. We interpret W807X as a pathogenic variant.